The following is an entry in ClinVar:

ClinVar aggregate classification (germline): Uncertain significance. Review status: criteria provided, multiple submitters, no conflicts (2 of 4 stars). 2 submissions from 2 submitters: Uncertain significance (2). Last evaluated 2023-04-07.

Allele frequency attached by ClinVar (database versions not stated): gnomAD exomes below 0.00001; TOPMed below 0.00001; gnomAD 0.00001.
gnomAD v4.1: 6 of 1,611,178 alleles (0.00037%); highest among the groups gnomAD compares: Non-Finnish European, 0.00051%; no homozygotes.

Submissions (2):

Ambry Genetics
Classification: Uncertain significance. Last evaluated: 2023-04-07. Review status: criteria provided, single submitter. Criteria: Ambry Variant Classification Scheme 2023. Collection method: clinical testing. Allele origin: germline.

Labcorp Genetics (formerly Invitae), Labcorp
Classification: Uncertain significance. Last evaluated: 2022-07-09. Review status: criteria provided, single submitter. Criteria: Invitae Variant Classification Sherloc (09022015). Collection method: clinical testing. Allele origin: germline.
Comment: Algorithms developed to predict the effect of sequence changes on RNA splicing suggest that this variant may disrupt the consensus splice site. In summary, the available evidence is currently insufficient to determine the role of this variant in disease. Therefore, it has been classified as a Variant of Uncertain Significance. Algorithms developed to predict the effect of missense changes on protein structure and function (SIFT, PolyPhen-2, Align-GVGD) all suggest that this variant is likely to be disruptive. This sequence change replaces lysine, which is basic and polar, with arginine, which is basic and polar, at codon 380 of the ZNF513 protein (p.Lys380Arg). This variant is not present in population databases (gnomAD no frequency). This variant has not been reported in the literature in individuals affected with ZNF513-related conditions.

NM_144631.6(ZNF513):c.1139A>G (p.Lys380Arg)

Gene: ZNF513 (zinc finger protein 513; minus strand). Cytogenetic location: 2p23.3.
Variant type: single nucleotide variant.
Coding change: c.1139A>G on transcript NM_144631.6 (MANE Select); coding-DNA position 1139, A replaced by G.
Protein change: p.Lys380Arg; replaces lysine 380 with arginine.
Molecular consequence: missense variant.
Genome position (GRCh38, 1-based): chr2:27,378,032, T>C on the plus strand (A>G on the coding strand, the complement: ZNF513 is on the minus strand). VCF-style: chr2-27378032-T-C. GRCh37 (hg19) VCF-style: chr2-27600899-T-C.
Other names: c.953A>G, p.Lys318Arg (NM_001201459.2); c.1139A>G (NM_144631.5); short protein forms K318R, K380R.
Identifiers: ClinVar variation 1975542 (VCV001975542.7), dbSNP rs1267886011, ClinGen allele CA346215111.
Genomic context (GRCh38, chr2:27,378,032, plus strand): 5'-AGATGAGCAGAGGCATAAGGACAGCGGGCGCAGCGGAAGGGCTTCTCACCACTGTGTGTC[T>C]TCATGTGCCGGGCCAGGTGGTTGGGATAGTGAGTGGCAAAGGGGCAGAGGCTACAGGCAA-3'
Protein context (NP_653232.3, residues 370-390): HYPNHLARHM[Lys380Arg]THSGEKPFRC